The following is an entry in ClinVar:

NM_000057.4(BLM):c.3407C>T (p.Ala1136Val)

Gene: BLM (BLM RecQ like helicase; plus strand). Cytogenetic location: 15q26.1.
Variant type: single nucleotide variant.
Coding change: c.3407C>T on transcript NM_000057.4 (MANE Select); coding-DNA position 3407, C replaced by T.
Protein change: p.Ala1136Val; replaces alanine 1136 with valine.
Molecular consequence: missense variant. On other transcripts: intron variant (1).
Genome position (GRCh38, 1-based): chr15:90,803,569, C>T. VCF-style: chr15-90803569-C-T. GRCh37 (hg19) VCF-style: chr15-91346799-C-T.
Other names: c.3407C>T, p.Ala1136Val (NM_001287246.2); c.2282C>T, p.Ala761Val (NM_001287248.2); c.3358+5232C>T (NM_001287247.2); short protein forms A761V, A1136V.
Identifiers: ClinVar variation 1731132 (VCV001731132.3), dbSNP rs1897213953, ClinGen allele CA393847530.

ClinVar aggregate classification (germline): Conflicting classifications of pathogenicity. Review status: criteria provided, conflicting classifications (1 of 4 stars). 2 submissions from 2 submitters: Uncertain significance (1); Likely benign (1). Last evaluated 2024-11-27.

Conditions:
Hereditary cancer-predisposing syndrome. Also called: Neoplastic Syndromes, Hereditary; Tumor predisposition; Hereditary Cancer Syndrome; Hereditary neoplastic syndrome. Identifiers: Orphanet 140162, MedGen C0027672, MeSH D009386, MONDO:0015356.
Bloom syndrome (BLM). Also called: Bloom-Torre-Machacek syndrome. Identifiers: Orphanet 125, MedGen C0005859, MONDO:0008876, OMIM 210900.

Allele frequency attached by ClinVar (database versions not stated): gnomAD exomes below 0.00001.

Submissions (2):

Labcorp Genetics (formerly Invitae), Labcorp
Classification: Uncertain significance for Bloom syndrome. Last evaluated: 2024-11-27. Review status: criteria provided, single submitter. Criteria: Invitae Variant Classification Sherloc (09022015). Collection method: clinical testing. Allele origin: germline.
Comment: This sequence change replaces alanine, which is neutral and non-polar, with valine, which is neutral and non-polar, at codon 1136 of the BLM protein (p.Ala1136Val). This variant is not present in population databases (gnomAD no frequency). This variant has not been reported in the literature in individuals affected with BLM-related conditions. ClinVar contains an entry for this variant (Variation ID: 1731132). Invitae Evidence Modeling of protein sequence and biophysical properties (such as structural, functional, and spatial information, amino acid conservation, physicochemical variation, residue mobility, and thermodynamic stability) indicates that this missense variant is expected to disrupt BLM protein function with a positive predictive value of 80%. In summary, the available evidence is currently insufficient to determine the role of this variant in disease. Therefore, it has been classified as a Variant of Uncertain Significance.

Ambry Genetics
Classification: Likely benign for Hereditary cancer-predisposing syndrome. Last evaluated: 2024-01-11. Review status: criteria provided, single submitter. Criteria: Ambry Variant Classification Scheme 2023. Collection method: clinical testing. Allele origin: germline.